The following is an entry in ClinVar:

ClinVar aggregate classification (germline): Uncertain significance (1 of 4 stars; one submission).

gnomAD v4.1: 657 of 1,613,696 alleles (0.041%); highest among the groups gnomAD compares: Non-Finnish European, 0.05%; no homozygotes.

Submissions (2):

GeneDx
Classification: Uncertain significance. Last evaluated: 2025-03-19. Review status: criteria provided, single submitter. Criteria: GeneDx Variant Classification Process June 2021. Collection method: clinical testing. Allele origin: germline. Affected: yes.
Comment: Has not been previously published as pathogenic or benign to our knowledge; In silico analysis is inconclusive as to whether the variant alters gene splicing. In the absence of RNA/functional studies, the actual effect of this sequence change is unknown.

Dr. Peter K. Rogan Lab, Western University
No classification provided (evidence only). Condition: Uveal melanoma. Review status: no classification provided. Collection method: in vitro. Allele origin: not applicable. Functional consequence: retained intron. Not counted in ClinVar's aggregate classification.

NM_031471.6(FERMT3):c.-14-9T>A

Genes: FERMT3 (FERM domain containing kindlin 3; plus strand), LOC130005912 (ATAC-STARR-seq lymphoblastoid active region 4886; plus strand). Cytogenetic location: 11q13.1.
Variant type: single nucleotide variant.
Coding change: c.-14-9T>A on transcript NM_031471.6 (MANE Select); 9 bases into the intron before 14 bases upstream of the start codon, T replaced by A.
Molecular consequence: intron variant.
Genome position (GRCh38, 1-based): chr11:64,207,342, T>A. VCF-style: chr11-64207342-T-A. GRCh37 (hg19) VCF-style: chr11-63974814-T-A.
Other names: NC_000011.9:g.63974814T>A; c.-11-12T>A (NM_001382448.1, NM_001382362.1, NM_001382361.1); c.-14-9T>A (NM_178443.3).
Identifiers: ClinVar variation 4086307 (VCV004086307.2).